The following is an entry in ClinVar:

ClinVar aggregate classification (germline): Uncertain significance (1 of 4 stars; one submission).

Conditions:
Hereditary diffuse gastric adenocarcinoma (HDGC). Also called: DIFFUSE GASTRIC AND LOBULAR BREAST CANCER SYNDROME. Identifiers: Orphanet 26106, MedGen C1708349, MONDO:0007648, OMIM 137215.

Allele frequency attached by ClinVar (database versions not stated): 1000 Genomes Project 30x 0.00016.

Submission:

Labcorp Genetics (formerly Invitae), Labcorp
Classification: Uncertain significance for Hereditary diffuse gastric adenocarcinoma. Last evaluated: 2022-12-05. Review status: criteria provided, single submitter. Criteria: Invitae Variant Classification Sherloc (09022015). Collection method: clinical testing. Allele origin: germline.
Comment: In summary, the available evidence is currently insufficient to determine the role of this variant in disease. Therefore, it has been classified as a Variant of Uncertain Significance. Algorithms developed to predict the effect of missense changes on protein structure and function (SIFT, PolyPhen-2, Align-GVGD) all suggest that this variant is likely to be tolerated. This variant has not been reported in the literature in individuals affected with CDH1-related conditions. This variant is not present in population databases (gnomAD no frequency). This sequence change replaces arginine, which is basic and polar, with proline, which is neutral and non-polar, at codon 43 of the CDH1 protein (p.Arg43Pro).

NM_004360.5(CDH1):c.128G>C (p.Arg43Pro)

Gene: CDH1 (cadherin 1; plus strand). Cytogenetic location: 16q22.1.
Variant type: single nucleotide variant.
Coding change: c.128G>C on transcript NM_004360.5 (MANE Select); coding-DNA position 128, G replaced by C.
Protein change: p.Arg43Pro; replaces arginine 43 with proline.
Molecular consequence: missense variant. On other transcripts: 5 prime UTR variant (2).
Genome position (GRCh38, 1-based): chr16:68,738,376, G>C. VCF-style: chr16-68738376-G-C. GRCh37 (hg19) VCF-style: chr16-68772279-G-C.
Other names: c.128G>C, p.Arg43Pro (NM_001317184.2); c.-1488G>C (NM_001317185.2); c.-1692G>C (NM_001317186.2); short protein forms R43P.
Identifiers: ClinVar variation 2818835 (VCV002818835.3), dbSNP rs1962461060, ClinGen allele CA396452157.